The following is an entry in ClinVar:

ClinVar aggregate classification (germline): Uncertain significance. Review status: criteria provided, multiple submitters, no conflicts (2 of 4 stars). 2 submissions from 2 submitters: Uncertain significance (2). Last evaluated 2025-03-17.

Conditions:
Inborn genetic diseases. Identifiers: MedGen C0950123, MeSH D030342.

Allele frequency attached by ClinVar (database versions not stated): gnomAD exomes 0.00001; ExAC 0.00002; TOPMed 0.00002; gnomAD 0.00005; ESP Exome Variant Server 0.00015.
gnomAD v4.1: 26 of 1,600,152 alleles (0.0016%); highest among the groups gnomAD compares: Non-Finnish European, 0.0022%; no homozygotes.

Submissions (2):

Ambry Genetics
Classification: Uncertain significance for Inborn genetic diseases. Last evaluated: 2025-03-17. Review status: criteria provided, single submitter. Criteria: Ambry Variant Classification Scheme 2023. Collection method: clinical testing. Allele origin: germline.

Labcorp Genetics (formerly Invitae), Labcorp
Classification: Uncertain significance. Last evaluated: 2022-08-08. Review status: criteria provided, single submitter. Criteria: Invitae Variant Classification Sherloc (09022015). Collection method: clinical testing. Allele origin: germline.
Comment: This variant is present in population databases (rs370678291, gnomAD 0.006%). In summary, the available evidence is currently insufficient to determine the role of this variant in disease. Therefore, it has been classified as a Variant of Uncertain Significance. Algorithms developed to predict the effect of missense changes on protein structure and function are either unavailable or do not agree on the potential impact of this missense change (SIFT: "Deleterious"; PolyPhen-2: "Benign"; Align-GVGD: "Class C15"). This variant has not been reported in the literature in individuals affected with NBAS-related conditions. This sequence change replaces leucine, which is neutral and non-polar, with phenylalanine, which is neutral and non-polar, at codon 643 of the NBAS protein (p.Leu643Phe).

NM_015909.4(NBAS):c.1927C>T (p.Leu643Phe)

Gene: NBAS (NBAS subunit of NRZ tethering complex; minus strand). Cytogenetic location: 2p24.3.
Variant type: single nucleotide variant.
Coding change: c.1927C>T on transcript NM_015909.4 (MANE Select); coding-DNA position 1927, C replaced by T.
Protein change: p.Leu643Phe; replaces leucine 643 with phenylalanine.
Molecular consequence: missense variant. On other transcripts: non-coding transcript variant (1).
Genome position (GRCh38, 1-based): chr2:15,467,755, G>A on the plus strand (C>T on the coding strand, the complement: NBAS is on the minus strand). VCF-style: chr2-15467755-G-A. GRCh37 (hg19) VCF-style: chr2-15607879-G-A.
Other names: c.1927C>T (NM_015909.2); short protein forms L643F.
Identifiers: ClinVar variation 2416207 (VCV002416207.5), dbSNP rs370678291, ClinGen allele CA1536513.
Genomic context (GRCh38, chr2:15,467,755, plus strand): 5'-GTCTCTTCTTGAGCTCCTTTTCCTTTTTATTCTTGGCAGGCTCTTCATCAGGTGGTGAAA[G>A]CTCTTCATAGGAGATACTGTCAATGTCTATTTCACCAGGTAATGTAAATCTGCAAGTATA-3'
Protein context (NP_056993.2, residues 633-653): IDIDSISYEE[Leu643Phe]SPPDEEPAKN